The following is an entry in ClinVar:

ClinVar aggregate classification (germline): Uncertain significance (1 of 4 stars; one submission).

Allele frequency attached by ClinVar (database versions not stated): gnomAD exomes below 0.00001.
gnomAD v4.1: 2 of 1,613,086 alleles (0.00012%); highest among the groups gnomAD compares: East Asian, 0.0022%; no homozygotes.

Submission:

Labcorp Genetics (formerly Invitae), Labcorp
Classification: Uncertain significance. Last evaluated: 2022-06-10. Review status: criteria provided, single submitter. Criteria: Invitae Variant Classification Sherloc (09022015). Collection method: clinical testing. Allele origin: germline.
Comment: This sequence change falls in intron 1 of the AP3B2 gene. It does not directly change the encoded amino acid sequence of the AP3B2 protein. It affects a nucleotide within the consensus splice site. This variant is present in population databases (no rsID available, gnomAD 0.003%). This variant has not been reported in the literature in individuals affected with AP3B2-related conditions. Variants that disrupt the consensus splice site are a relatively common cause of aberrant splicing (PMID: 17576681, 9536098). Algorithms developed to predict the effect of sequence changes on RNA splicing suggest that this variant is not likely to affect RNA splicing. In summary, the available evidence is currently insufficient to determine the role of this variant in disease. Therefore, it has been classified as a Variant of Uncertain Significance.

Literature cited by the submitters: PubMed 17576681; PubMed 9536098.

NM_001278512.2(AP3B2):c.114-3C>T

Genes: AP3B2 (adaptor related protein complex 3 subunit beta 2; minus strand), CPEB1-AS1 (CPEB1 antisense RNA 1; plus strand). Cytogenetic location: 15q25.2.
Variant type: single nucleotide variant.
Coding change: c.114-3C>T on transcript NM_001278512.2 (MANE Select); 3 bases into the intron before coding-DNA position 114, C replaced by T.
Molecular consequence: intron variant.
Genome position (GRCh38, 1-based): chr15:82,689,456, G>A on the plus strand (C>T on the coding strand, the complement: AP3B2 is on the minus strand). VCF-style: chr15-82689456-G-A. GRCh37 (hg19) VCF-style: chr15-83358208-G-A.
Other names: c.114-3C>T (NM_001278511.2, NM_004644.5, NM_001348440.2).
Identifiers: ClinVar variation 1953678 (VCV001953678.2), dbSNP rs1372901878, ClinGen allele CA619000338.
Genomic context (GRCh38, chr15:82,689,456, plus strand): 5'-GGCCTCCAGCTTGAGAGAATCCTTGTTGGTGTCCAGCATCTCCTTCAGGTCATCATGCCT[G>A]GTGGGAGGTACAAGAAGTCAGCTGAGGGCACAAGGGTGGGGATGGGGTATTAATCAGGAG-3'